The following is an entry in ClinVar:

NM_006231.4(POLE):c.6017C>T (p.Ala2006Val)

Gene: POLE (DNA polymerase epsilon, catalytic subunit; minus strand). Cytogenetic location: 12q24.33.
Variant type: single nucleotide variant.
Coding change: c.6017C>T on transcript NM_006231.4 (MANE Select); coding-DNA position 6017, C replaced by T.
Protein change: p.Ala2006Val; replaces alanine 2006 with valine.
Molecular consequence: missense variant.
Genome position (GRCh38, 1-based): chr12:132,632,783, G>A on the plus strand (C>T on the coding strand, the complement: POLE is on the minus strand). VCF-style: chr12-132632783-G-A. GRCh37 (hg19) VCF-style: chr12-133209369-G-A.
Other names: short protein forms A2006V.
Identifiers: ClinVar variation 405868 (VCV000405868.13), dbSNP rs746545942, ClinGen allele CA6892309.

ClinVar aggregate classification (germline): Uncertain significance. Review status: criteria provided, multiple submitters, no conflicts (2 of 4 stars). 3 submissions from 3 submitters: Uncertain significance (3). Last evaluated 2025-11-11.

Conditions:
Hereditary cancer-predisposing syndrome. Also called: Hereditary Cancer Syndrome; Hereditary neoplastic syndrome; Neoplastic Syndromes, Hereditary; Tumor predisposition. Identifiers: Orphanet 140162, MedGen C0027672, MeSH D009386, MONDO:0015356.

Allele frequency attached by ClinVar (database versions not stated): gnomAD below 0.00001 and 0.00001; gnomAD exomes 0.00005; ExAC 0.00009.
gnomAD v4.1: 29 of 1,608,660 alleles (0.0018%); highest among the groups gnomAD compares: South Asian, 0.027%; no homozygotes.

Submissions (3):

Labcorp Genetics (formerly Invitae), Labcorp
Classification: Uncertain significance. Last evaluated: 2025-11-11. Review status: criteria provided, single submitter. Criteria: Invitae Variant Classification Sherloc (09022015). Collection method: clinical testing. Allele origin: germline.
Comment: This sequence change replaces alanine, which is neutral and non-polar, with valine, which is neutral and non-polar, at codon 2006 of the POLE protein (p.Ala2006Val). This variant is present in population databases (rs746545942, gnomAD 0.04%). This variant has not been reported in the literature in individuals affected with POLE-related conditions. ClinVar contains an entry for this variant (Variation ID: 405868). Invitae Evidence Modeling of protein sequence and biophysical properties (such as structural, functional, and spatial information, amino acid conservation, physicochemical variation, residue mobility, and thermodynamic stability) indicates that this missense variant is not expected to disrupt POLE protein function with a negative predictive value of 80%. In summary, the available evidence is currently insufficient to determine the role of this variant in disease. Therefore, it has been classified as a Variant of Uncertain Significance.

GeneDx
Classification: Uncertain significance. Last evaluated: 2025-05-08. Review status: criteria provided, single submitter. Criteria: GeneDx Variant Classification Process June 2021. Collection method: clinical testing. Allele origin: germline. Affected: yes.
Comment: In silico analysis suggests that this missense variant does not alter protein structure/function; Has not been previously published as pathogenic or benign to our knowledge

Ambry Genetics
Classification: Uncertain significance for Hereditary cancer-predisposing syndrome. Last evaluated: 2025-04-10. Review status: criteria provided, single submitter. Criteria: Ambry Variant Classification Scheme 2023. Collection method: clinical testing. Allele origin: germline.
Comment: The p.A2006V variant (also known as c.6017C>T), located in coding exon 44 of the POLE gene, results from a C to T substitution at nucleotide position 6017. The alanine at codon 2006 is replaced by valine, an amino acid with similar properties. This amino acid position is highly conserved in available vertebrate species. In addition, the in silico prediction for this alteration is inconclusive. Based on the available evidence, the clinical significance of this variant remains unclear.